The following is an entry in ClinVar:

ClinVar aggregate classification (germline): Conflicting classifications of pathogenicity. Review status: criteria provided, conflicting classifications (1 of 4 stars). 5 submissions from 4 submitters: Uncertain significance (3); Benign (1); Likely benign (1). Last evaluated 2023-10-26.

Conditions:
Emery-Dreifuss muscular dystrophy 4, autosomal dominant (EDMD4). Also called: EMERY-DREIFUSS MUSCULAR DYSTROPHY 4 WITH VARIABLE FEATURES. Identifiers: Orphanet 261, MedGen C2751807, MONDO:0013071, OMIM 612998.
Autosomal recessive ataxia, Beauce type. Also called: ATAXIA, RECESSIVE, OF BEAUCE; SYNE1 Deficiency; SYNE1-Related Autosomal Recessive Cerebellar Ataxia; Spinocerebellar ataxia, autosomal recessive 8. Identifiers: Orphanet 88644, MedGen C1853116, MONDO:0012549, OMIM 610743.
Arthrogryposis multiplex congenita 3, myogenic type. Also called: ARTHROGRYPOSIS MULTIPLEX CONGENITA, MYOGENIC TYPE. Identifiers: MedGen C5193121, MONDO:0032778, OMIM 618484.

Allele frequency attached by ClinVar (database versions not stated): TOPMed 0.00002; gnomAD 0.00004 and 0.00005; gnomAD exomes 0.00008 and 0.00010; ExAC 0.00011; 1000 Genomes Project 30x 0.00016; 1000 Genomes Project 0.00020.
gnomAD v4.1: 154 of 1,613,944 alleles (0.0095%); highest among the groups gnomAD compares: East Asian, 0.32%; no homozygotes.

Submissions (5):

Revvity Omics, Revvity
Classification: Likely benign. Last evaluated: 2023-10-26. Review status: criteria provided, single submitter. Criteria: ACMG Guidelines, 2015. Collection method: clinical testing. Allele origin: germline.

Department of Pathology and Laboratory Medicine, Sinai Health System
Classification: Uncertain significance for Autosomal recessive ataxia, Beauce type; Emery-Dreifuss muscular dystrophy 4, autosomal dominant; Arthrogryposis multiplex congenita 3, myogenic type. Last evaluated: 2022-05-06. Review status: criteria provided, single submitter. Criteria: ACMG Guidelines, 2015. Collection method: research. Allele origin: germline.

Labcorp Genetics (formerly Invitae), Labcorp
Classification: Uncertain significance for Emery-Dreifuss muscular dystrophy 4, autosomal dominant; Autosomal recessive ataxia, Beauce type. Last evaluated: 2021-09-24. Review status: criteria provided, single submitter. Criteria: Invitae Variant Classification Sherloc (09022015). Collection method: clinical testing. Allele origin: germline.
Comment: This sequence change replaces glycine with arginine at codon 1168 of the SYNE1 protein (p.Gly1168Arg). The glycine residue is moderately conserved and there is a moderate physicochemical difference between glycine and arginine. This variant is present in population databases (rs149415204, ExAC 0.1%). This variant has not been reported in the literature in individuals with SYNE1-related conditions. ClinVar contains an entry for this variant (Variation ID: 906834). Algorithms developed to predict the effect of missense changes on protein structure and function output the following: SIFT: "Tolerated"; PolyPhen-2: "Benign"; Align-GVGD: "Class C0". The arginine amino acid residue is found in multiple mammalian species, suggesting that this missense change does not adversely affect protein function. These predictions have not been confirmed by published functional studies and their clinical significance is uncertain. Algorithms developed to predict the effect of sequence changes on RNA splicing suggest that this variant may create or strengthen a splice site, but this prediction has not been confirmed by published transcriptional studies. In summary, the available evidence is currently insufficient to determine the role of this variant in disease. Therefore, it has been classified as a Variant of Uncertain Significance.

Illumina Laboratory Services, Illumina
Classification: Uncertain significance for Autosomal recessive ataxia, Beauce type. Last evaluated: 2018-01-12. Review status: criteria provided, single submitter. Criteria: ICSL Variant Classification Criteria 13 December 2019. Collection method: clinical testing. Allele origin: germline.

Illumina Laboratory Services, Illumina
Classification: Benign for Emery-Dreifuss muscular dystrophy 4, autosomal dominant. Last evaluated: 2018-01-12. Review status: criteria provided, single submitter. Criteria: ICSL Variant Classification Criteria 13 December 2019. Collection method: clinical testing. Allele origin: germline.
Comment: This variant was observed in the ICSL laboratory as part of a predisposition screen in an ostensibly healthy population. It had not been previously curated by ICSL or reported in the Human Gene Mutation Database (HGMD: prior to June 1st, 2018), and was therefore a candidate for classification through an automated scoring system. Utilizing variant allele frequency, disease prevalence and penetrance estimates, and inheritance mode, an automated score was calculated to assess if this variant is too frequent to cause the disease. Based on the score and internal cut-off values, a variant classified as benign is not then subjected to further curation. The score for this variant resulted in a classification of benign for this disease.

NM_182961.4(SYNE1):c.3481G>A (p.Gly1161Arg)

Gene: SYNE1 (spectrin repeat containing nuclear envelope protein 1; minus strand). Cytogenetic location: 6q25.2.
Variant type: single nucleotide variant.
Coding change: c.3481G>A on transcript NM_182961.4 (MANE Select); coding-DNA position 3481, G replaced by A.
Protein change: p.Gly1161Arg; replaces glycine 1161 with arginine.
Molecular consequence: missense variant.
Genome position (GRCh38, 1-based): chr6:152,449,556, C>T on the plus strand (G>A on the coding strand, the complement: SYNE1 is on the minus strand). VCF-style: chr6-152449556-C-T. GRCh37 (hg19) VCF-style: chr6-152770691-C-T.
Other names: c.3502G>A, p.Gly1168Arg (NM_033071.5); short protein forms G1168R, G1161R.
Identifiers: ClinVar variation 906834 (VCV000906834.11), dbSNP rs149415204, ClinGen allele CA4058835.
Genomic context (GRCh38, chr6:152,449,556, plus strand): 5'-GAAATTTTCCTCTAGCAAATAATGACCCTGAACTTACTTCAACGGCACGTTTAACCTCTC[C>T]GTGGTTGGCAGTATCGATGGCCTCACCCTTGATCCCCTTTAATTGTGTCTCATTTGTAGA-3'
Protein context (NP_892006.3, residues 1151-1171): KGEAIDTANH[Gly1161Arg]EVKRAVEEIR